The following is an entry in ClinVar:

NM_001267550.2(TTN):c.96069dup (p.Val32024fs)

Genes: TTN-AS1 (TTN antisense RNA 1; plus strand), TTN (titin; minus strand), LOC126806421 (CDK7 strongly-dependent group 2 enhancer GRCh37_chr2:179407630-179408829; plus strand). Cytogenetic location: 2q31.2.
Variant type: Duplication.
Coding change: c.96069dup on transcript NM_001267550.2 (MANE Select); coding-DNA position 96069, one base duplicated (T; older notation c.96069dupT).
Protein change: p.Val32024fs; shifts the reading frame from valine 32024.
Molecular consequence: frameshift variant.
Genome position (GRCh38, 1-based): chr2:178,544,075, A duplicated on the plus strand (T on the coding strand, the reverse complement: TTN is on the minus strand). VCF-style (leftmost placement, unchanged base first): chr2-178544074-C-CA. GRCh37 (hg19) VCF-style: chr2-179408801-C-CA.
Other names: c.91146dup, p.Val30383fs (NM_001256850.1); c.68874dup, p.Val22959fs (NM_003319.4); c.88365dup, p.Val29456fs (NM_133378.4); c.69249dup, p.Val23084fs (NM_133432.3); c.69450dup, p.Val23151fs (NM_133437.4); c.96069dupT (NM_001267550.2); short protein forms V30383fs, V22959fs, V23084fs, V29456fs, V32024fs, V23151fs.
Identifiers: ClinVar variation 238870 (VCV000238870.8), dbSNP rs878854432, ClinGen allele CA10581830.

ClinVar aggregate classification (germline): Likely pathogenic. Review status: criteria provided, single submitter (1 of 4 stars). 2 submissions from 1 submitter: Likely pathogenic (2). Last evaluated 2016-01-01.

Conditions:
Autosomal recessive limb-girdle muscular dystrophy type 2J (LGMDR10). Also called: Limb-girdle muscular dystrophy, type 2J; MUSCULAR DYSTROPHY, LIMB-GIRDLE, AUTOSOMAL RECESSIVE 10. Identifiers: Orphanet 140922, MedGen C1837342, MONDO:0012127, OMIM 608807.
Dilated cardiomyopathy 1G (CMD1G). Identifiers: Orphanet 154, MedGen C1858763, MONDO:0011400, OMIM 604145.

Allele frequency attached by ClinVar (database versions not stated): gnomAD exomes below 0.00001.

Submissions (2):

Labcorp Genetics (formerly Invitae), Labcorp
Classification: Likely pathogenic for Dilated cardiomyopathy 1G. Last evaluated: 2016-01-01. Review status: criteria provided, single submitter. Criteria: Invitae Variant Classification Sherloc (09022015). Collection method: clinical testing. Allele origin: germline.
Comment: This sequence change duplicates 1 nucleotide in exon 346 of the TTN mRNA (c.96069dupT), causing a frameshift at codon 32024. This creates a premature translational stop signal (p.Val32024Cysfs*31) and is expected to result in an absent or disrupted protein product. This variant is found in the A-band of this gene. While this particular variant has not been reported in the literature, truncating variants in the A-band of TTN are likely pathogenic (PMID: 25589632). For these reasons, this variant has been classified as Likely Pathogenic.

Labcorp Genetics (formerly Invitae), Labcorp
Classification: Likely pathogenic for Dilated cardiomyopathy 1G; Autosomal recessive limb-girdle muscular dystrophy type 2J. Last evaluated: 2016-01-01. Review status: criteria provided, single submitter. Criteria: Invitae Variant Classification Sherloc (09022015). Collection method: clinical testing. Allele origin: germline.
Comment: For these reasons, this variant has been classified as Likely Pathogenic. This variant is found in the A-band of this gene. While this particular variant has not been reported in the literature, truncating variants in the A-band of TTN are likely pathogenic (PMID: 25589632). This sequence change duplicates 1 nucleotide in exon 346 of the TTN mRNA (c.96069dupT), causing a frameshift at codon 32024. This creates a premature translational stop signal (p.Val32024Cysfs*31) and is expected to result in an absent or disrupted protein product.

Literature cited by the submitters: PubMed 25589632.